The following is an entry in ClinVar:

ClinVar aggregate classification (germline): Conflicting classifications of pathogenicity. Review status: criteria provided, conflicting classifications (1 of 4 stars). 5 submissions from 5 submitters: Uncertain significance (1); Likely benign (4). Last evaluated 2026-01-21.

Conditions:
Upshaw-Schulman syndrome (TTP). Also called: THROMBOTIC THROMBOCYTOPENIC PURPURA, HEREDITARY; Congenital thrombotic thrombocytopenic purpura. Identifiers: Orphanet 93583, MedGen C1268935, MONDO:0010122, OMIM 274150.

Allele frequency attached by ClinVar (database versions not stated): ESP Exome Variant Server 0.00069; gnomAD 0.00082 and 0.00088; ExAC 0.00086; gnomAD exomes 0.00090 and 0.00119; TOPMed 0.00096; 1000 Genomes Project 30x 0.00109; 1000 Genomes Project 0.00140.
gnomAD v4.1: 1,850 of 1,613,448 alleles (0.11%); highest among the groups gnomAD compares: South Asian, 0.17%; 1 homozygote.

Submissions (5):

Labcorp Genetics (formerly Invitae), Labcorp
Classification: Likely benign. Last evaluated: 2026-01-21. Review status: criteria provided, single submitter. Criteria: Invitae Variant Classification Sherloc (09022015). Collection method: clinical testing. Allele origin: germline.

Mayo Clinic Laboratories, Mayo Clinic
Classification: Likely benign. Last evaluated: 2025-05-20. Review status: criteria provided, single submitter. Criteria: ACMG Guidelines, 2015. Collection method: clinical testing. Allele origin: germline. Observed: 7 variant alleles.
Comment: BS1, BP4, BP7

Blueprint Genetics
Classification: Likely benign. Last evaluated: 2024-11-19. Review status: criteria provided, single submitter. Criteria: ACMG Guidelines, 2015. Collection method: clinical testing. Allele origin: germline.

Women's Health and Genetics/Laboratory Corporation of America, LabCorp
Classification: Likely benign. Last evaluated: 2024-04-01. Review status: criteria provided, single submitter. Criteria: LabCorp Variant Classification Summary - May 2015. Collection method: clinical testing. Allele origin: germline.

Illumina Laboratory Services, Illumina
Classification: Uncertain significance for Upshaw-Schulman syndrome. Last evaluated: 2018-01-12. Review status: criteria provided, single submitter. Criteria: ICSL Variant Classification Criteria 13 December 2019. Collection method: clinical testing. Allele origin: germline.

NM_139027.6(ADAMTS13):c.1200C>T (p.Cys400=)

Gene: ADAMTS13 (ADAM metallopeptidase with thrombospondin type 1 motif 13; plus strand). Cytogenetic location: 9q34.2.
Variant type: single nucleotide variant.
Coding change: c.1200C>T on transcript NM_139027.6 (MANE Select); coding-DNA position 1200, C replaced by T.
Protein change: p.Cys400=; no amino-acid change (cysteine 400 retained).
Molecular consequence: synonymous variant.
Genome position (GRCh38, 1-based): chr9:133,433,485, C>T. VCF-style: chr9-133433485-C-T. GRCh37 (hg19) VCF-style: chr9-136298605-C-T.
Other names: p.Cys400=; c.1200C>T, p.Cys400= (NM_139025.5); c.1107C>T, p.Cys369= (NM_139026.6).
Identifiers: ClinVar variation 734047 (VCV000734047.15), dbSNP rs142570561, ClinGen allele CA200926970.